The following is an entry in ClinVar:

NM_001848.3(COL6A1):c.859-20_859-19del

Gene: COL6A1 (collagen type VI alpha 1 chain; plus strand). Cytogenetic location: 21q22.3.
Variant type: Deletion.
Coding change: c.859-20_859-19del on transcript NM_001848.3 (MANE Select); 20 bases into the intron before coding-DNA position 859 through 19 bases into the intron before coding-DNA position 859, 2 bases deleted (CA; older notation c.859-20_859-19delCA).
Molecular consequence: intron variant.
Genome position (GRCh38, 1-based): chr21:45,989,588-45,989,589, CA deleted. VCF-style (leftmost placement, unchanged base first): chr21-45989587-CCA-C. GRCh37 (hg19) VCF-style: chr21-47409501-CCA-C.
Identifiers: ClinVar variation 3049065 (VCV003049065.2), dbSNP rs753368603, ClinGen allele CA10069812.

ClinVar aggregate classification (germline): Likely benign (0 of 4 stars; one submission).

Conditions:
COL6A1-related disorder. Also called: COL6A1-related condition.

Allele frequency attached by ClinVar (database versions not stated): gnomAD exomes 0.00016; ExAC 0.00058; gnomAD 0.00186; 1000 Genomes Project 30x 0.00328.

Submission:

PreventionGenetics, part of Exact Sciences
Classification: Likely benign for COL6A1-related condition. Last evaluated: 2020-01-17. Review status: no assertion criteria provided. Collection method: clinical testing. Allele origin: germline.
Comment: This variant is classified as likely benign based on ACMG/AMP sequence variant interpretation guidelines (Richards et al. 2015 PMID: 25741868, with internal and published modifications).